The following is an entry in ClinVar:

ClinVar aggregate classification (germline): Uncertain significance (1 of 4 stars; one submission).

Submission:

Labcorp Genetics (formerly Invitae), Labcorp
Classification: Uncertain significance. Last evaluated: 2024-11-16. Review status: criteria provided, single submitter. Criteria: Invitae Variant Classification Sherloc (09022015). Collection method: clinical testing. Allele origin: germline.
Comment: This sequence change replaces alanine, which is neutral and non-polar, with serine, which is neutral and polar, at codon 969 of the CACNA1G protein (p.Ala969Ser). This variant is not present in population databases (gnomAD no frequency). This variant has not been reported in the literature in individuals affected with CACNA1G-related conditions. Invitae Evidence Modeling of protein sequence and biophysical properties (such as structural, functional, and spatial information, amino acid conservation, physicochemical variation, residue mobility, and thermodynamic stability) indicates that this missense variant is not expected to disrupt CACNA1G protein function with a negative predictive value of 95%. In summary, the available evidence is currently insufficient to determine the role of this variant in disease. Therefore, it has been classified as a Variant of Uncertain Significance.

NM_018896.5(CACNA1G):c.2905G>T (p.Ala969Ser)

Gene: CACNA1G (calcium voltage-gated channel subunit alpha1 G; plus strand). Cytogenetic location: 17q21.33.
Variant type: single nucleotide variant.
Coding change: c.2905G>T on transcript NM_018896.5 (MANE Select); coding-DNA position 2905, G replaced by T.
Protein change: p.Ala969Ser; replaces alanine 969 with serine.
Molecular consequence: missense variant. On other transcripts: non-coding transcript variant (5).
Genome position (GRCh38, 1-based): chr17:50,592,087, G>T. VCF-style: chr17-50592087-G-T. GRCh37 (hg19) VCF-style: chr17-48669448-G-T.
Other names: c.2905G>T, p.Ala969Ser (NM_001256324.2, NM_001256325.2, NM_001256326.2 and 24 more transcripts); short protein forms A969S.
Identifiers: ClinVar variation 3634743 (VCV003634743.2).